The following is an entry in ClinVar:

NC_000005.9:g.(?_156785993)_(156788626_?)dup

Gene: CYFIP2 (cytoplasmic FMR1 interacting protein 2; plus strand). Cytogenetic location: 5q33.3.
Variant type: Duplication.
Identifiers: ClinVar variation 3246458 (VCV003246458.1).

ClinVar aggregate classification (germline): Uncertain significance (1 of 4 stars; one submission).

Submission:

Labcorp Genetics (formerly Invitae), Labcorp
Classification: Uncertain significance. Last evaluated: 2023-05-04. Review status: criteria provided, single submitter. Criteria: Invitae Variant Classification Sherloc (09022015). Collection method: clinical testing. Allele origin: unknown.
Comment: This variant has not been reported in the literature in individuals affected with CYFIP2-related conditions. This variant results in a copy number gain of the genomic region encompassing exon(s) 24-26 of the CYFIP2 gene. While the exact position of this variant cannot be determined from the data, sub-genic copy number gains are generally in tandem (PMID: 25640679). This variant is predicted to be in-frame, and likely preserves the integrity of the reading frame. Experimental studies and prediction algorithms are not available or were not evaluated, and the functional significance of this variant is currently unknown. In summary, the available evidence is currently insufficient to determine the role of this variant in disease. Therefore, it has been classified as a Variant of Uncertain Significance.

Literature cited by the submitters: PubMed 25640679.